The following is an entry in ClinVar:

NM_001165963.4(SCN1A):c.6022G>T (p.Gly2008Trp)

Genes: SCN1A (sodium voltage-gated channel alpha subunit 1; minus strand), LOC102724058 (uncharacterized LOC102724058; plus strand). Cytogenetic location: 2q24.3.
Variant type: single nucleotide variant.
Coding change: c.6022G>T on transcript NM_001165963.4 (MANE Select); coding-DNA position 6022, G replaced by T.
Protein change: p.Gly2008Trp; replaces glycine 2008 with tryptophan.
Molecular consequence: missense variant. On other transcripts: non-coding transcript variant (1).
Genome position (GRCh38, 1-based): chr2:165,991,253, C>A on the plus strand (G>T on the coding strand, the complement: SCN1A is on the minus strand). VCF-style: chr2-165991253-C-A. GRCh37 (hg19) VCF-style: chr2-166847763-C-A.
Other names: c.5938G>T, p.Gly1980Trp (NM_001165964.3, NM_001353957.2, NM_001353958.2); c.6022G>T, p.Gly2008Trp (NM_001202435.3, NM_001353948.2); c.5989G>T, p.Gly1997Trp (NM_001353949.2, NM_001353950.2, NM_001353951.2 and 2 more transcripts); c.5986G>T, p.Gly1996Trp (NM_001353954.2, NM_001353955.2); c.5935G>T, p.Gly1979Trp (NM_001353960.2); c.3580G>T, p.Gly1194Trp (NM_001353961.2); short protein forms G1194W, G1979W, G1980W, G1996W, G1997W, G2008W.
Identifiers: ClinVar variation 3365996 (VCV003365996.1).

ClinVar aggregate classification (germline): Uncertain significance (1 of 4 stars; one submission).

Submission:

GeneDx
Classification: Uncertain significance. Last evaluated: 2023-10-16. Review status: criteria provided, single submitter. Criteria: GeneDx Variant Classification Process June 2021. Collection method: clinical testing. Allele origin: germline. Affected: yes.
Comment: Not observed at significant frequency in large population cohorts (gnomAD); Missense variants in this gene are a common cause of disease and they are underrepresented in the general population; In silico analysis supports that this missense variant has a deleterious effect on protein structure/function; Has not been previously published as pathogenic or benign to our knowledge; This substitution is predicted to be within the C-terminal cytoplasmic domain